The following is an entry in ClinVar:

ClinVar aggregate classification (germline): Uncertain significance (1 of 4 stars; one submission).

gnomAD v4.1: 9 of 1,613,906 alleles (0.00056%); highest among the groups gnomAD compares: Admixed American, 0.0017%; no homozygotes.

Submission:

Labcorp Genetics (formerly Invitae), Labcorp
Classification: Uncertain significance. Last evaluated: 2023-10-05. Review status: criteria provided, single submitter. Criteria: Invitae Variant Classification Sherloc (09022015). Collection method: clinical testing. Allele origin: germline.
Comment: This sequence change replaces arginine, which is basic and polar, with glycine, which is neutral and non-polar, at codon 410 of the SCNN1B protein (p.Arg410Gly). This variant is present in population databases (rs200401219, gnomAD 0.0009%). This variant has not been reported in the literature in individuals affected with SCNN1B-related conditions. Advanced modeling of protein sequence and biophysical properties (such as structural, functional, and spatial information, amino acid conservation, physicochemical variation, residue mobility, and thermodynamic stability) performed at Invitae indicates that this missense variant is not expected to disrupt SCNN1B protein function. In summary, the available evidence is currently insufficient to determine the role of this variant in disease. Therefore, it has been classified as a Variant of Uncertain Significance.

NM_000336.3(SCNN1B):c.1228C>G (p.Arg410Gly)

Gene: SCNN1B (sodium channel epithelial 1 subunit beta; plus strand). Cytogenetic location: 16p12.2.
Variant type: single nucleotide variant.
Coding change: c.1228C>G on transcript NM_000336.3 (MANE Select); coding-DNA position 1228, C replaced by G.
Protein change: p.Arg410Gly; replaces arginine 410 with glycine.
Molecular consequence: missense variant.
Genome position (GRCh38, 1-based): chr16:23,375,813, C>G. VCF-style: chr16-23375813-C-G. GRCh37 (hg19) VCF-style: chr16-23387134-C-G.
Other names: c.1120C>G, p.Arg374Gly (NM_001410900.1); short protein forms R374G, R410G.
Identifiers: ClinVar variation 2960397 (VCV002960397.3), dbSNP rs200401219, ClinGen allele CA7960404.